The following is an entry in ClinVar:

NM_003136.4(SRP54):c.292A>G (p.Lys98Glu)

Gene: SRP54 (signal recognition particle 54; plus strand). Cytogenetic location: 14q13.2.
Variant type: single nucleotide variant.
Coding change: c.292A>G on transcript NM_003136.4 (MANE Select); coding-DNA position 292, A replaced by G.
Protein change: p.Lys98Glu; replaces lysine 98 with glutamic acid.
Molecular consequence: missense variant.
Genome position (GRCh38, 1-based): chr14:35,007,319, A>G. VCF-style: chr14-35007319-A-G. GRCh37 (hg19) VCF-style: chr14-35476525-A-G.
Other names: c.145A>G, p.Lys49Glu (NM_001146282.2); c.292A>G, p.Lys98Glu (NM_001411017.1); short protein forms K98E, K49E.
Identifiers: ClinVar variation 2836423 (VCV002836423.3), dbSNP rs2502737396, ClinGen allele CA389438886.

ClinVar aggregate classification (germline): Uncertain significance (1 of 4 stars; one submission).

Submission:

Labcorp Genetics (formerly Invitae), Labcorp
Classification: Uncertain significance. Last evaluated: 2023-02-11. Review status: criteria provided, single submitter. Criteria: Invitae Variant Classification Sherloc (09022015). Collection method: clinical testing. Allele origin: germline.
Comment: In summary, the available evidence is currently insufficient to determine the role of this variant in disease. Therefore, it has been classified as a Variant of Uncertain Significance. Advanced modeling of protein sequence and biophysical properties (such as structural, functional, and spatial information, amino acid conservation, physicochemical variation, residue mobility, and thermodynamic stability) performed at Invitae indicates that this missense variant is expected to disrupt SRP54 protein function. This variant has not been reported in the literature in individuals affected with SRP54-related conditions. This variant is not present in population databases (gnomAD no frequency). This sequence change replaces lysine, which is basic and polar, with glutamic acid, which is acidic and polar, at codon 98 of the SRP54 protein (p.Lys98Glu).